The following is an entry in ClinVar:

ClinVar aggregate classification (germline): Pathogenic (1 of 4 stars; one submission).

Submission:

Labcorp Genetics (formerly Invitae), Labcorp
Classification: Pathogenic. Last evaluated: 2026-01-22. Review status: criteria provided, single submitter. Criteria: Invitae Variant Classification Sherloc (09022015). Collection method: clinical testing. Allele origin: germline.
Comment: This sequence change replaces leucine, which is neutral and non-polar, with proline, which is neutral and non-polar, at codon 122 of the RUNX2 protein (p.Leu122Pro). This variant is not present in population databases (gnomAD no frequency). This missense change has been observed in individual(s) with clinical features of cleidocranial dysplasia (internal data). In at least one individual the variant was observed to be de novo. ClinVar contains an entry for this variant (Variation ID: 3645350). Invitae Evidence Modeling of protein sequence and biophysical properties (such as structural, functional, and spatial information, amino acid conservation, physicochemical variation, residue mobility, and thermodynamic stability) indicates that this missense variant is expected to disrupt RUNX2 protein function with a positive predictive value of 80%. For these reasons, this variant has been classified as Pathogenic.

NM_001024630.4(RUNX2):c.365T>C (p.Leu122Pro)

Gene: RUNX2 (RUNX family transcription factor 2; plus strand). Cytogenetic location: 6p21.1.
Variant type: single nucleotide variant.
Coding change: c.365T>C on transcript NM_001024630.4 (MANE Select); coding-DNA position 365, T replaced by C.
Protein change: p.Leu122Pro; replaces leucine 122 with proline.
Molecular consequence: missense variant.
Genome position (GRCh38, 1-based): chr6:45,422,899, T>C. VCF-style: chr6-45422899-T-C. GRCh37 (hg19) VCF-style: chr6-45390636-T-C.
Other names: c.365T>C, p.Leu122Pro (NM_001015051.4); c.323T>C, p.Leu108Pro (NM_001278478.2, NM_001369405.1); short protein forms L122P, L108P.
Identifiers: ClinVar variation 3645350 (VCV003645350.2).